The following is an entry in ClinVar:

NM_016111.4(TELO2):c.434del (p.Thr145fs)

Gene: TELO2 (telomere maintenance 2; plus strand). Cytogenetic location: 16p13.3.
Variant type: Deletion.
Coding change: c.434del on transcript NM_016111.4 (MANE Select); coding-DNA position 434, one base deleted (C; older notation c.434delC).
Protein change: p.Thr145fs; shifts the reading frame from threonine 145.
Molecular consequence: frameshift variant.
Genome position (GRCh38, 1-based): chr16:1,495,444, C deleted. VCF-style (leftmost placement, unchanged base first): chr16-1495443-AC-A. GRCh37 (hg19) VCF-style: chr16-1545444-AC-A.
Other names: c.434del, p.Thr145fs (NM_001351846.2); c.434delC (NM_016111.4); short protein forms T145fs.
Identifiers: ClinVar variation 3907641 (VCV003907641.1).

ClinVar aggregate classification (germline): Pathogenic (1 of 4 stars; one submission).

Conditions:
TELO2-related intellectual disability-neurodevelopmental disorder. Also called: You-Hoover-Fong syndrome. Identifiers: Orphanet 488642, MedGen C4310778, MONDO:0014848, OMIM 616954.

Submission:

Women's Health and Genetics/Laboratory Corporation of America, LabCorp
Classification: Pathogenic for TELO2-related intellectual disability-neurodevelopmental disorder. Last evaluated: 2025-06-19. Review status: criteria provided, single submitter. Criteria: LabCorp Variant Classification Summary - May 2015. Collection method: clinical testing. Allele origin: germline.
Comment: Variant summary: TELO2 c.434delC (p.Thr145SerfsX124) results in a premature termination codon, predicted to cause a truncation of the encoded protein or absence of the protein due to nonsense mediated decay, which are commonly known mechanisms for disease. The variant was absent in 228094 control chromosomes. To our knowledge, no occurrence of c.434delC in individuals affected with TELO2-Related Intellectual Disability-Neurodevelopmental Disorder and no experimental evidence demonstrating its impact on protein function have been reported. No submitters have cited clinical-significance assessments for this variant to ClinVar. Based on the evidence outlined above, the variant was classified as pathogenic.